The following is an entry in ClinVar:

NC_000023.10:g.(?_22128981)_(22132689_?)del

Gene: PHEX (phosphate regulating endopeptidase X-linked; plus strand). Cytogenetic location: Xp22.11.
Variant type: Deletion.
Identifiers: ClinVar variation 3246188 (VCV003246188.1).

ClinVar aggregate classification (germline): Pathogenic (1 of 4 stars; one submission).

Submission:

Labcorp Genetics (formerly Invitae), Labcorp
Classification: Pathogenic. Last evaluated: 2022-11-02. Review status: criteria provided, single submitter. Criteria: Invitae Variant Classification Sherloc (09022015). Collection method: clinical testing. Allele origin: unknown.
Comment: For these reasons, this variant has been classified as Pathogenic. This variant disrupts a region of the PHEX protein in which other variant(s) (p.Leu378Pro) have been determined to be pathogenic (PMID: 11502829; Invitae). This suggests that this is a clinically significant region of the protein, and that variants that disrupt it are likely to be disease-causing. This variant has not been reported in the literature in individuals affected with PHEX-related conditions. This variant results in the deletion of exon 10 and part of exon 11 (c.1080-604_1287del) of the PHEX gene. It is expected to disrupt RNA splicing. Variants that disrupt the donor or acceptor splice site typically lead to a loss of protein function (PMID: 16199547), and loss-of-function variants in PHEX are known to be pathogenic (PMID: 9097956, 9106524, 19219621).

Literature cited by the submitters: PubMed 11502829; PubMed 16199547; PubMed 9097956; PubMed 9106524; PubMed 19219621.